The following is an entry in ClinVar:

ClinVar aggregate classification (germline): Conflicting classifications of pathogenicity. Review status: criteria provided, conflicting classifications (1 of 4 stars). 4 submissions from 4 submitters: Uncertain significance (2); Likely benign (2). Last evaluated 2026-05-04.

Allele frequency attached by ClinVar (database versions not stated): ESP Exome Variant Server 0.00069; gnomAD 0.00077; 1000 Genomes Project 30x 0.00078; 1000 Genomes Project 0.00060; TOPMed 0.00063.
gnomAD v4.1: 1,828 of 1,612,376 alleles (0.11%); highest among the groups gnomAD compares: Non-Finnish European, 0.14%; 2 homozygotes.

Submissions (4):

Women's Health and Genetics/Laboratory Corporation of America, LabCorp
Classification: Likely benign. Last evaluated: 2026-05-04. Review status: criteria provided, single submitter. Criteria: LabCorp Variant Classification Summary - May 2015. Collection method: clinical testing. Allele origin: germline.
Comment: Variant summary: DTNBP1 c.162G>A (p.Arg54Arg) alters a conserved nucleotide located close to a canonical splice site and therefore could affect mRNA splicing, leading to a significantly altered protein sequence. Several computational tools predict a significant impact on normal splicing: Three predict the variant weakens the canonical 3' acceptor site and three predict the variant abolishes a cryptic 5' splicing donor site. However, these predictions have yet to be confirmed by functional studies. The variant allele was found at a frequency of 0.00066 in 250182 control chromosomes. The observed variant frequency exceeds the estimated maximal expected allele frequency for disease-causing variants in DTNBP1. c.162G>A has been observed in at least one individual affected with Hermansky-Pudlak Syndrome, witthout strong evidence for causality (e.g. Li_2003). This report does not provide unequivocal conclusions about association of the variant with Hermansky-Pudlak Syndrome. To our knowledge, no experimental evidence demonstrating an impact on protein function has been reported. The following publication has been ascertained in the context of this evaluation (PMID: 12923531). ClinVar contains an entry for this variant (Variation ID: 210857). Based on the evidence outlined above, the variant was classified as likely benign.

Blueprint Genetics
Classification: Likely benign. Last evaluated: 2024-11-06. Review status: criteria provided, single submitter. Criteria: ACMG Guidelines, 2015. Collection method: clinical testing. Allele origin: germline.

Labcorp Genetics (formerly Invitae), Labcorp
Classification: Uncertain significance. Last evaluated: 2022-10-28. Review status: criteria provided, single submitter. Criteria: Invitae Variant Classification Sherloc (09022015). Collection method: clinical testing. Allele origin: germline.
Comment: This sequence change affects codon 54 of the DTNBP1 mRNA. It is a 'silent' change, meaning that it does not change the encoded amino acid sequence of the DTNBP1 protein. It affects a nucleotide within the consensus splice site. This variant is present in population databases (rs77460377, gnomAD 0.1%), and has an allele count higher than expected for a pathogenic variant. This variant has not been reported in the literature in individuals affected with DTNBP1-related conditions. ClinVar contains an entry for this variant (Variation ID: 210857). Algorithms developed to predict the effect of sequence changes on RNA splicing suggest that this variant is not likely to affect RNA splicing. In summary, the available evidence is currently insufficient to determine the role of this variant in disease. Therefore, it has been classified as a Variant of Uncertain Significance.

Genetic Services Laboratory, University of Chicago
Classification: Uncertain significance. Last evaluated: 2015-06-25. Review status: criteria provided, single submitter. Criteria: ACMG Guidelines, 2015. Collection method: clinical testing. Allele origin: germline.

Literature cited by the submitters: PubMed 12923531 (cited by Women's Health and Genetics/Laboratory Corporation of America, LabCorp).

NM_032122.5(DTNBP1):c.162G>A (p.Arg54=)

Gene: DTNBP1 (dystrobrevin binding protein 1; minus strand). Cytogenetic location: 6p22.3.
Variant type: single nucleotide variant.
Coding change: c.162G>A on transcript NM_032122.5 (MANE Select); coding-DNA position 162, G replaced by A.
Protein change: p.Arg54=; no amino-acid change (arginine 54 retained).
Molecular consequence: synonymous variant. On other transcripts: 5 prime UTR variant (1), non-coding transcript variant (1).
Genome position (GRCh38, 1-based): chr6:15,637,804, C>T on the plus strand (G>A on the coding strand, the complement: DTNBP1 is on the minus strand). VCF-style: chr6-15637804-C-T. GRCh37 (hg19) VCF-style: chr6-15638035-C-T.
Other names: c.-82G>A (NM_001271667.2); c.111G>A, p.Arg37= (NM_001271668.2); c.57G>A, p.Gly19= (NM_001271669.2); c.162G>A, p.Arg54= (NM_183040.2).
Identifiers: ClinVar variation 210857 (VCV000210857.12), dbSNP rs77460377, ClinGen allele CA209841.